The following is an entry in ClinVar:

NM_022124.6(CDH23):c.5015A>G (p.Tyr1672Cys)

Gene: CDH23 (cadherin related 23; plus strand). Cytogenetic location: 10q22.1.
Variant type: single nucleotide variant.
Coding change: c.5015A>G on transcript NM_022124.6 (MANE Select); coding-DNA position 5015, A replaced by G.
Protein change: p.Tyr1672Cys; replaces tyrosine 1672 with cysteine.
Molecular consequence: missense variant.
Genome position (GRCh38, 1-based): chr10:71,777,849, A>G. VCF-style: chr10-71777849-A-G. GRCh37 (hg19) VCF-style: chr10-73537606-A-G.
Other names: short protein forms Y1672C.
Identifiers: ClinVar variation 2101633 (VCV002101633.2), dbSNP rs771435678, ClinGen allele CA5545604.

ClinVar aggregate classification (germline): Uncertain significance. Review status: criteria provided, multiple submitters, no conflicts (2 of 4 stars). 2 submissions from 2 submitters: Uncertain significance (2). Last evaluated 2023-09-18.

Allele frequency attached by ClinVar (database versions not stated): TOPMed below 0.00001; ExAC 0.00001; gnomAD exomes 0.00001.
gnomAD v4.1: 11 of 1,613,892 alleles (0.00068%); highest among the groups gnomAD compares: East Asian, 0.011%; no homozygotes.

Submissions (2):

Blueprint Genetics
Classification: Uncertain significance. Last evaluated: 2023-09-18. Review status: criteria provided, single submitter. Criteria: ACMG Guidelines, 2015. Collection method: clinical testing. Allele origin: germline.

Labcorp Genetics (formerly Invitae), Labcorp
Classification: Uncertain significance. Last evaluated: 2022-02-22. Review status: criteria provided, single submitter. Criteria: Invitae Variant Classification Sherloc (09022015). Collection method: clinical testing. Allele origin: germline.
Comment: This sequence change replaces tyrosine, which is neutral and polar, with cysteine, which is neutral and slightly polar, at codon 1672 of the CDH23 protein (p.Tyr1672Cys). This variant is present in population databases (rs771435678, gnomAD 0.0009%). This variant has not been reported in the literature in individuals affected with CDH23-related conditions. Algorithms developed to predict the effect of missense changes on protein structure and function are either unavailable or do not agree on the potential impact of this missense change (SIFT: "Deleterious"; PolyPhen-2: "Not Available"; Align-GVGD: "Class C65"). In summary, the available evidence is currently insufficient to determine the role of this variant in disease. Therefore, it has been classified as a Variant of Uncertain Significance.